The following is an entry in ClinVar:

NM_198576.4(AGRN):c.3715C>T (p.Arg1239Trp)

Gene: AGRN (agrin; plus strand). Cytogenetic location: 1p36.33.
Variant type: single nucleotide variant.
Coding change: c.3715C>T on transcript NM_198576.4 (MANE Select); coding-DNA position 3715, C replaced by T.
Protein change: p.Arg1239Trp; replaces arginine 1239 with tryptophan.
Molecular consequence: missense variant.
Genome position (GRCh38, 1-based): chr1:1,047,859, C>T. VCF-style: chr1-1047859-C-T. GRCh37 (hg19) VCF-style: chr1-983239-C-T.
Other names: c.3715C>T (NM_198576.3); c.3715C>T, p.Arg1239Trp (NM_001305275.2); c.3400C>T, p.Arg1134Trp (NM_001364727.2); short protein forms R1239W, R1134W.
Identifiers: ClinVar variation 1417919 (VCV001417919.4), dbSNP rs571142975, ClinGen allele CA509195.

ClinVar aggregate classification (germline): Uncertain significance. Review status: criteria provided, multiple submitters, no conflicts (2 of 4 stars). 2 submissions from 2 submitters: Uncertain significance (2). Last evaluated 2025-08-10.

Conditions:
Inborn genetic diseases. Identifiers: MedGen C0950123, MeSH D030342.
Congenital myasthenic syndrome 8. Also called: MYASTHENIC SYNDROME, CONGENITAL, DUE TO AGRIN DEFICIENCY; Myasthenic syndrome, congenital, 8, with pre- and postsynaptic defects. Identifiers: Orphanet 590, MedGen C3808739, MONDO:0014052, OMIM 615120.

Allele frequency attached by ClinVar (database versions not stated): gnomAD exomes below 0.00001 and 0.00001; ExAC 0.00001; gnomAD 0.00002; TOPMed 0.00002; 1000 Genomes Project 30x 0.00016; 1000 Genomes Project 0.00020.
gnomAD v4.1: 21 of 1,605,604 alleles (0.0013%); highest among the groups gnomAD compares: African/African-American, 0.0027%; no homozygotes.

Submissions (2):

Ambry Genetics
Classification: Uncertain significance for Inborn genetic diseases. Last evaluated: 2025-08-10. Review status: criteria provided, single submitter. Criteria: Ambry Variant Classification Scheme 2023. Collection method: clinical testing. Allele origin: germline.

Labcorp Genetics (formerly Invitae), Labcorp
Classification: Uncertain significance for Congenital myasthenic syndrome 8. Last evaluated: 2022-07-18. Review status: criteria provided, single submitter. Criteria: Invitae Variant Classification Sherloc (09022015). Collection method: clinical testing. Allele origin: germline.
Comment: This sequence change replaces arginine, which is basic and polar, with tryptophan, which is neutral and slightly polar, at codon 1239 of the AGRN protein (p.Arg1239Trp). The frequency data for this variant in the population databases is considered unreliable, as metrics indicate poor data quality at this position in the gnomAD database. This variant has not been reported in the literature in individuals affected with AGRN-related conditions. ClinVar contains an entry for this variant (Variation ID: 1417919). Algorithms developed to predict the effect of missense changes on protein structure and function are either unavailable or do not agree on the potential impact of this missense change (SIFT: "Deleterious"; PolyPhen-2: "Probably Damaging"; Align-GVGD: "Class C0"). Algorithms developed to predict the effect of sequence changes on RNA splicing suggest that this variant may create or strengthen a splice site. In summary, the available evidence is currently insufficient to determine the role of this variant in disease. Therefore, it has been classified as a Variant of Uncertain Significance.